The following is an entry in ClinVar:

NM_078470.6(COX15):c.665G>A (p.Arg222His)

Gene: COX15 (cytochrome c oxidase assembly factor COX15; minus strand). Cytogenetic location: 10q24.2.
Variant type: single nucleotide variant.
Coding change: c.665G>A on transcript NM_078470.6 (MANE Select); coding-DNA position 665, G replaced by A.
Protein change: p.Arg222His; replaces arginine 222 with histidine.
Molecular consequence: missense variant. On other transcripts: non-coding transcript variant (1).
Genome position (GRCh38, 1-based): chr10:99,724,041, C>T on the plus strand (G>A on the coding strand, the complement: COX15 is on the minus strand). VCF-style: chr10-99724041-C-T. GRCh37 (hg19) VCF-style: chr10-101483798-C-T.
Other names: c.665G>A, p.Arg222His (NM_001320974.2, NM_001320975.2, NM_001372024.1 and 5 more transcripts); c.128G>A, p.Arg43His (NM_001320976.2); short protein forms R222H, R43H.
Identifiers: ClinVar variation 880478 (VCV000880478.5), dbSNP rs377568460, ClinGen allele CA5642211.

ClinVar aggregate classification (germline): Uncertain significance. Review status: criteria provided, multiple submitters, no conflicts (2 of 4 stars). 2 submissions from 2 submitters: Uncertain significance (2). Last evaluated 2022-08-12.

Conditions:
Leigh syndrome (NULS). Also called: Leigh's necrotizing encephalopathy; Leigh's disease; LEIGH SYNDROME, NUCLEAR; Leigh Syndrome (mtDNA deletion); Leigh's syndrome; Leigh Disease. Identifiers: Orphanet 506, MedGen C2931891, MONDO:0009723, OMIM 256000.

Allele frequency attached by ClinVar (database versions not stated): ExAC 0.00005; gnomAD 0.00008; gnomAD exomes 0.00008 and 0.00009; TOPMed 0.00011; ESP Exome Variant Server 0.00015.
gnomAD v4.1: 152 of 1,613,986 alleles (0.0094%); highest among the groups gnomAD compares: African/African-American, 0.015%; no homozygotes.

Submissions (2):

Labcorp Genetics (formerly Invitae), Labcorp
Classification: Uncertain significance. Last evaluated: 2022-08-12. Review status: criteria provided, single submitter. Criteria: Invitae Variant Classification Sherloc (09022015). Collection method: clinical testing. Allele origin: germline.
Comment: This sequence change replaces arginine, which is basic and polar, with histidine, which is basic and polar, at codon 222 of the COX15 protein (p.Arg222His). This variant is present in population databases (rs377568460, gnomAD 0.1%). This variant has not been reported in the literature in individuals affected with COX15-related conditions. ClinVar contains an entry for this variant (Variation ID: 880478). Algorithms developed to predict the effect of missense changes on protein structure and function are either unavailable or do not agree on the potential impact of this missense change (SIFT: "Not Available"; PolyPhen-2: "Probably Damaging"; Align-GVGD: "Not Available"). In summary, the available evidence is currently insufficient to determine the role of this variant in disease. Therefore, it has been classified as a Variant of Uncertain Significance.

Illumina Laboratory Services, Illumina
Classification: Uncertain significance for Leigh syndrome. Last evaluated: 2018-01-12. Review status: criteria provided, single submitter. Criteria: ICSL Variant Classification Criteria 13 December 2019. Collection method: clinical testing. Allele origin: germline.